The following is an entry in ClinVar:

NM_005502.4(ABCA1):c.6004A>C (p.Thr2002Pro)

Genes: ABCA1 (ATP binding cassette subfamily A member 1; minus strand), NIPSNAP3B (nipsnap homolog 3B; plus strand). Cytogenetic location: 9q31.1.
Variant type: single nucleotide variant.
Coding change: c.6004A>C on transcript NM_005502.4 (MANE Select); coding-DNA position 6004, A replaced by C.
Protein change: p.Thr2002Pro; replaces threonine 2002 with proline.
Molecular consequence: missense variant.
Genome position (GRCh38, 1-based): chr9:104,788,491, T>G on the plus strand (A>C on the coding strand, the complement: ABCA1 is on the minus strand). VCF-style: chr9-104788491-T-G. GRCh37 (hg19) VCF-style: chr9-107550772-T-G.
Other names: short protein forms T2002P.
Identifiers: ClinVar variation 1751037 (VCV001751037.2), dbSNP rs2538038363, ClinGen allele CA374308010.

ClinVar aggregate classification (germline): Uncertain significance (1 of 4 stars; one submission).

Conditions:
Cardiovascular phenotype. Identifiers: MedGen CN230736.

Submission:

Ambry Genetics
Classification: Uncertain significance for Cardiovascular phenotype. Last evaluated: 2022-01-26. Review status: criteria provided, single submitter. Criteria: Ambry Variant Classification Scheme 2023. Collection method: clinical testing. Allele origin: germline.
Comment: The p.T2002P variant (also known as c.6004A>C), located in coding exon 44 of the ABCA1 gene, results from an A to C substitution at nucleotide position 6004. The threonine at codon 2002 is replaced by proline, an amino acid with highly similar properties. This amino acid position is conserved. In addition, this alteration is predicted to be deleterious by in silico analysis. Since supporting evidence is limited at this time, the clinical significance of this alteration remains unclear.